The following is an entry in ClinVar:

NM_000093.5(COL5A1):c.5425C>T (p.Gln1809Ter)

Genes: COL5A1 (collagen type V alpha 1 chain; plus strand), LOC101448202 (uncharacterized LOC101448202; minus strand). Cytogenetic location: 9q34.3.
Variant type: single nucleotide variant.
Coding change: c.5425C>T on transcript NM_000093.5 (MANE Select); coding-DNA position 5425, C replaced by T.
Protein change: p.Gln1809Ter; replaces glutamine 1809 with a stop codon.
Molecular consequence: nonsense.
Genome position (GRCh38, 1-based): chr9:134,842,211, C>T. VCF-style: chr9-134842211-C-T. GRCh37 (hg19) VCF-style: chr9-137734057-C-T.
Other names: c.5425C>T, p.Gln1809Ter (NM_001278074.1); short protein forms Q1809*.
Identifiers: ClinVar variation 1438499 (VCV001438499.8), dbSNP rs2132943056, ClinGen allele CA375461875.

ClinVar aggregate classification (germline): Pathogenic (1 of 4 stars; one submission).

Conditions:
Ehlers-Danlos syndrome, classic type, 1 (EDSCL1). Also called: EHLERS-DANLOS SYNDROME, GRAVIS TYPE; EHLERS-DANLOS SYNDROME, SEVERE CLASSIC TYPE; Ehlers-Danlos syndrome, type 1; Ehlers-Danlos Syndrome, Classic Type, COL5A1-Related; EDS I. Identifiers: MedGen C0268335, MONDO:0019567, OMIM 130000.

Submission:

Labcorp Genetics (formerly Invitae), Labcorp
Classification: Pathogenic for Ehlers-Danlos syndrome, classic type, 1. Last evaluated: 2020-11-20. Review status: criteria provided, single submitter. Criteria: Invitae Variant Classification Sherloc (09022015). Collection method: clinical testing. Allele origin: germline.
Comment: This sequence change creates a premature translational stop signal (p.Gln1809*) in the COL5A1 gene. While this is not anticipated to result in nonsense mediated decay, it is expected to disrupt the last 30 amino acid(s) of the COL5A1 protein. For these reasons, this variant has been classified as Pathogenic. This variant disrupts the C-terminus of the COL5A1 protein. Other variant(s) that disrupt this region (p.Gln1825*) have been determined to be pathogenic (Invitae). This suggests that variants that disrupt this region of the protein are likely to be causative of disease. Algorithms developed to predict the effect of sequence changes on RNA splicing suggest that this variant may create or strengthen a splice site, but this prediction has not been confirmed by published transcriptional studies. This variant has been observed in individual(s) with clinical features of Ehlers-Danlos syndrome (Invitae). This variant is not present in population databases (ExAC no frequency).